The following is an entry in ClinVar:

NM_002474.3(MYH11):c.5613+17_5614-20del

Genes: MYH11 (myosin heavy chain 11; minus strand), NDE1 (nudE neurodevelopment protein 1; plus strand). Cytogenetic location: 16p13.11.
Variant type: Deletion.
Coding change: c.5613+17_5614-20del on transcript NM_002474.3 (MANE Select); 17 bases into the intron after coding-DNA position 5613 through 20 bases into the intron before coding-DNA position 5614, 47 bases deleted.
Molecular consequence: intron variant.
Genome position (GRCh38, 1-based): chr16:15,715,101-15,715,147, 47 bases deleted; deleting any 47 consecutive bases within chr16:15,715,101-15,715,153 gives the same sequence; the c. name uses the placement nearest the transcript's 3' end. GRCh37 (hg19): chr16:15,808,964-15,809,010.
Other names: c.948-9084_948-9038del (NM_001143979.2, NM_017668.3); c.5613+17_5614-20del (NM_022844.3); c.5634+17_5635-20del (NM_001040114.2, NM_001040113.2).
Identifiers: ClinVar variation 4731829 (VCV004731829.1).

ClinVar aggregate classification (germline): Uncertain significance (1 of 4 stars; one submission).

Conditions:
Aortic aneurysm, familial thoracic 4 (AAT4). Also called: AORTIC ANEURYSM/AORTIC DISSECTION AND PATENT DUCTUS ARTERIOSUS. Identifiers: MedGen C1851504, MONDO:0007568, OMIM 132900.

Submission:

Labcorp Genetics (formerly Invitae), Labcorp
Classification: Uncertain significance for Aortic aneurysm, familial thoracic 4. Last evaluated: 2025-11-24. Review status: criteria provided, single submitter. Criteria: Invitae Variant Classification Sherloc (09022015). Collection method: clinical testing. Allele origin: germline.
Comment: This sequence change falls in intron 40 of the MYH11 gene. It does not directly change the encoded amino acid sequence of the MYH11 protein. This variant is not present in population databases (gnomAD no frequency). This variant has not been reported in the literature in individuals affected with MYH11-related conditions. Experimental studies and prediction algorithms are not available or were not evaluated, and the functional significance of this variant is currently unknown. In summary, the available evidence is currently insufficient to determine the role of this variant in disease. Therefore, it has been classified as a Variant of Uncertain Significance.